The following is an entry in ClinVar:

NM_015512.5(DNAH1):c.5182A>T (p.Ser1728Cys)

Gene: DNAH1 (dynein axonemal heavy chain 1; plus strand). Cytogenetic location: 3p21.1.
Variant type: single nucleotide variant.
Coding change: c.5182A>T on transcript NM_015512.5 (MANE Select); coding-DNA position 5182, A replaced by T.
Protein change: p.Ser1728Cys; replaces serine 1728 with cysteine.
Molecular consequence: missense variant.
Genome position (GRCh38, 1-based): chr3:52,363,082, A>T. VCF-style: chr3-52363082-A-T. GRCh37 (hg19) VCF-style: chr3-52397098-A-T.
Other names: p.Ser1728Cys; short protein forms S1728C.
Identifiers: ClinVar variation 478456 (VCV000478456.15), dbSNP rs138320093, ClinGen allele CA2434121.

ClinVar aggregate classification (germline): Benign. Review status: criteria provided, multiple submitters, no conflicts (2 of 4 stars). 4 submissions from 4 submitters: Benign (3). 1 of the submissions does not count toward it. Last evaluated 2026-01-27.

Conditions:
DNAH1-related disorder. Also called: DNAH1-related condition.
Spermatogenic failure 18. Identifiers: MedGen C4539783, MONDO:0054615, OMIM 617576.
Ciliary dyskinesia, primary, 37 (CILD37). Also called: CILIARY DYSKINESIA, PRIMARY, 37, WITH OR WITHOUT SITUS INVERSUS. Identifiers: MedGen C4539798, MONDO:0033204, OMIM 617577.

Allele frequency attached by ClinVar (database versions not stated): ESP Exome Variant Server 0.00032; 1000 Genomes Project 0.00060; gnomAD exomes 0.00068 and 0.00311; 1000 Genomes Project 30x 0.00078; gnomAD 0.00103 and 0.00105; TOPMed 0.00190; ExAC 0.00239.
gnomAD v4.1: 1,155 of 1,613,968 alleles (0.072%); highest among the groups gnomAD compares: Admixed American, 1.7%; 17 homozygotes.

Submissions (4):

Labcorp Genetics (formerly Invitae), Labcorp
Classification: Benign for Ciliary dyskinesia, primary, 37; Spermatogenic failure 18. Last evaluated: 2026-01-27. Review status: criteria provided, single submitter. Criteria: Invitae Variant Classification Sherloc (09022015). Collection method: clinical testing. Allele origin: germline.

Mayo Clinic Laboratories, Mayo Clinic
Classification: Benign. Last evaluated: 2023-03-22. Review status: criteria provided, single submitter. Criteria: ACMG Guidelines, 2015. Collection method: clinical testing. Allele origin: germline. Observed: 4 variant alleles.
Comment: BS1, BS2, BP4

Breakthrough Genomics
Classification: Benign. Review status: criteria provided, single submitter. Criteria: ACMG Guidelines, 2015. Collection method: not provided. Allele origin: germline. Inheritance: Autosomal recessive inheritance. Affected: yes.

PreventionGenetics, part of Exact Sciences
Classification: Benign for DNAH1-related condition. Last evaluated: 2019-09-24. Review status: no assertion criteria provided. Collection method: clinical testing. Allele origin: germline. Not counted in ClinVar's aggregate classification.
Comment: This variant is classified as benign based on ACMG/AMP sequence variant interpretation guidelines (Richards et al. 2015 PMID: 25741868, with internal and published modifications).